The following is an entry in ClinVar:

ClinVar aggregate classification (germline): Uncertain significance. Review status: criteria provided, multiple submitters, no conflicts (2 of 4 stars). 4 submissions from 4 submitters: Uncertain significance (4). Last evaluated 2025-11-17.

Conditions:
Perlman syndrome (PRLMNS). Identifiers: Orphanet 2849, MedGen C0796113, MONDO:0009965, OMIM 267000.
Inborn genetic diseases. Identifiers: MedGen C0950123, MeSH D030342.

Allele frequency attached by ClinVar (database versions not stated): ExAC 0.00002; TOPMed 0.00002; gnomAD 0.00005; ESP Exome Variant Server 0.00016.
gnomAD v4.1: 25 of 1,612,928 alleles (0.0015%); highest among the groups gnomAD compares: Middle Eastern, 0.016%; no homozygotes.

Submissions (4):

Labcorp Genetics (formerly Invitae), Labcorp
Classification: Uncertain significance for Perlman syndrome. Last evaluated: 2025-11-17. Review status: criteria provided, single submitter. Criteria: Invitae Variant Classification Sherloc (09022015). Collection method: clinical testing. Allele origin: germline.
Comment: This sequence change replaces aspartic acid, which is acidic and polar, with asparagine, which is neutral and polar, at codon 626 of the DIS3L2 protein (p.Asp626Asn). This variant is present in population databases (rs374482102, gnomAD 0.008%). This variant has not been reported in the literature in individuals affected with DIS3L2-related conditions. ClinVar contains an entry for this variant (Variation ID: 410730). Invitae Evidence Modeling of protein sequence and biophysical properties (such as structural, functional, and spatial information, amino acid conservation, physicochemical variation, residue mobility, and thermodynamic stability) indicates that this missense variant is not expected to disrupt DIS3L2 protein function with a negative predictive value of 80%. In summary, the available evidence is currently insufficient to determine the role of this variant in disease. Therefore, it has been classified as a Variant of Uncertain Significance.

St. Jude Molecular Pathology, St. Jude Children's Research Hospital
Classification: Uncertain significance for Perlman syndrome. Last evaluated: 2024-07-17. Review status: criteria provided, single submitter. Criteria: St. Jude Assertion Criteria 2020. Collection method: clinical testing. Allele origin: germline.
Comment: The DIS3L2 c.1876G>A (p.Asp626Asn) missense change has a maximum subpopulation frequency of 0.004% in gnomAD v2.1.1. The in silico tool REVEL predicts a benign effect on protein function, but to our knowledge these predictions have not been confirmed by functional studies. To our knowledge, this variant has not been reported in individuals with Perlman syndrome. In summary, the evidence currently available is insufficient to determine the clinical significance of this variant. It has therefore been classified as of uncertain significance.?

Ambry Genetics
Classification: Uncertain significance for Inborn genetic diseases. Last evaluated: 2024-01-08. Review status: criteria provided, single submitter. Criteria: Ambry Variant Classification Scheme 2023. Collection method: clinical testing. Allele origin: germline.

Fulgent Genetics
Classification: Uncertain significance for Perlman syndrome. Last evaluated: 2021-09-11. Review status: criteria provided, single submitter. Criteria: ACMG Guidelines, 2015. Collection method: clinical testing. Allele origin: unknown.

NM_152383.5(DIS3L2):c.1876G>A (p.Asp626Asn)

Gene: DIS3L2 (DIS3 like 3'-5' exoribonuclease 2; plus strand). Cytogenetic location: 2q37.1.
Variant type: single nucleotide variant.
Coding change: c.1876G>A on transcript NM_152383.5 (MANE Select); coding-DNA position 1876, G replaced by A.
Protein change: p.Asp626Asn; replaces aspartic acid 626 with asparagine.
Molecular consequence: missense variant. On other transcripts: non-coding transcript variant (2), intron variant (1).
Genome position (GRCh38, 1-based): chr2:232,329,949, G>A. VCF-style: chr2-232329949-G-A. GRCh37 (hg19) VCF-style: chr2-233194659-G-A.
Other names: c.1582-13396G>A (NM_001257281.2); short protein forms D626N.
Identifiers: ClinVar variation 410730 (VCV000410730.12), dbSNP rs374482102, ClinGen allele CA2164291.